The following is an entry in ClinVar:

ClinVar aggregate classification (germline): Pathogenic (1 of 4 stars; one submission).

Conditions:
Neuromuscular disease caused by qualitative or quantitative defects of dysferlin. Also called: Dysferlinopathy; Qualitative or quantitative defects of dysferlin. Identifiers: Orphanet 207073, MedGen C2931687, MONDO:0016145.

Submission:

Labcorp Genetics (formerly Invitae), Labcorp
Classification: Pathogenic for Neuromuscular disease caused by qualitative or quantitative defects of dysferlin. Last evaluated: 2023-05-20. Review status: criteria provided, single submitter. Criteria: Invitae Variant Classification Sherloc (09022015). Collection method: clinical testing. Allele origin: germline.
Comment: For these reasons, this variant has been classified as Pathogenic. This variant has not been reported in the literature in individuals affected with DYSF-related conditions. This variant is not present in population databases (gnomAD no frequency). This sequence change creates a premature translational stop signal (p.Lys1490Serfs*13) in the DYSF gene. It is expected to result in an absent or disrupted protein product. Loss-of-function variants in DYSF are known to be pathogenic (PMID: 17698709, 20301480).

Literature cited by the submitters: PubMed 17698709; PubMed 20301480.

NM_001130987.2(DYSF):c.4586del (p.Lys1529fs)

Gene: DYSF (dysferlin; plus strand). Cytogenetic location: 2p13.2.
Variant type: Deletion.
Coding change: c.4586del on transcript NM_001130987.2 (MANE Select); coding-DNA position 4586, one base deleted (A; older notation c.4586delA).
Protein change: p.Lys1529fs; shifts the reading frame from lysine 1529.
Molecular consequence: frameshift variant.
Genome position (GRCh38, 1-based): chr2:71,644,023, A deleted; the last of 4 consecutive A bases (chr2:71,644,020-71,644,023); deleting any one gives the same sequence. VCF-style (leftmost placement, unchanged base first): chr2-71644019-GA-G. GRCh37 (hg19) VCF-style: chr2-71871149-GA-G.
Other names: c.4532del, p.Lys1511fs (NM_001130978.2); c.4562del, p.Lys1521fs (NM_001130979.2); c.4520del, p.Lys1507fs (NM_001130980.2); c.4583del, p.Lys1528fs (NM_001130981.2); c.4565del, p.Lys1522fs (NM_001130982.2); c.4535del, p.Lys1512fs (NM_001130983.2); c.4493del, p.Lys1498fs (NM_001130984.2); c.4523del, p.Lys1508fs (NM_001130985.2); and 5 more; short protein forms K1490fs, K1476fs, K1477fs, K1498fs, K1508fs, K1529fs, K1491fs, K1511fs.
Identifiers: ClinVar variation 2866093 (VCV002866093.3), dbSNP rs2546398525, ClinGen allele CA645519995.